The following is an entry in ClinVar:

ClinVar aggregate classification (germline): Conflicting classifications of pathogenicity. Review status: criteria provided, conflicting classifications (1 of 4 stars). 2 submissions from 2 submitters: Uncertain significance (1); Likely benign (1). Last evaluated 2024-08-28.

Conditions:
Inborn genetic diseases. Identifiers: MedGen C0950123, MeSH D030342.

Allele frequency attached by ClinVar (database versions not stated): TOPMed 0.00001; gnomAD exomes 0.00003; gnomAD 0.00004.

Submissions (2):

Ambry Genetics
Classification: Likely benign for Inborn genetic diseases. Last evaluated: 2024-08-28. Review status: criteria provided, single submitter. Criteria: Ambry Variant Classification Scheme 2023. Collection method: clinical testing. Allele origin: germline.

Labcorp Genetics (formerly Invitae), Labcorp
Classification: Uncertain significance. Last evaluated: 2024-01-02. Review status: criteria provided, single submitter. Criteria: Invitae Variant Classification Sherloc (09022015). Collection method: clinical testing. Allele origin: germline.
Comment: This sequence change replaces glycine, which is neutral and non-polar, with arginine, which is basic and polar, at codon 13 of the ATP6AP1 protein (p.Gly13Arg). This variant is present in population databases (no rsID available, gnomAD 0.007%), including at least one homozygous and/or hemizygous individual. This variant has not been reported in the literature in individuals affected with ATP6AP1-related conditions. ClinVar contains an entry for this variant (Variation ID: 1961380). Algorithms developed to predict the effect of missense changes on protein structure and function output the following: SIFT: "Not Available"; PolyPhen-2: "Benign"; Align-GVGD: "Not Available". The arginine amino acid residue is found in multiple mammalian species, which suggests that this missense change does not adversely affect protein function. In summary, the available evidence is currently insufficient to determine the role of this variant in disease. Therefore, it has been classified as a Variant of Uncertain Significance.

NM_001183.6(ATP6AP1):c.37G>C (p.Gly13Arg)

Gene: ATP6AP1 (ATPase H+ transporting accessory protein 1; plus strand). Cytogenetic location: Xq28.
Variant type: single nucleotide variant.
Coding change: c.37G>C on transcript NM_001183.6 (MANE Select); coding-DNA position 37, G replaced by C.
Protein change: p.Gly13Arg; replaces glycine 13 with arginine.
Molecular consequence: missense variant.
Genome position (GRCh38, 1-based): chrX:154,428,729, G>C. VCF-style: chrX-154428729-G-C. GRCh37 (hg19) VCF-style: chrX-153657075-G-C.
Other names: c.37G>C (NM_001183.4); short protein forms G13R.
Identifiers: ClinVar variation 1961380 (VCV001961380.6), dbSNP rs992965475, ClinGen allele CA337292448.